The following is an entry in ClinVar:

ClinVar aggregate classification (germline): Uncertain significance (1 of 4 stars; one submission).

Submission:

Labcorp Genetics (formerly Invitae), Labcorp
Classification: Uncertain significance. Last evaluated: 2023-01-28. Review status: criteria provided, single submitter. Criteria: Invitae Variant Classification Sherloc (09022015). Collection method: clinical testing. Allele origin: germline.
Comment: This variant has not been reported in the literature in individuals affected with KMT2B-related conditions. Experimental studies and prediction algorithms are not available or were not evaluated, and the functional significance of this variant is currently unknown. In summary, the available evidence is currently insufficient to determine the role of this variant in disease. Therefore, it has been classified as a Variant of Uncertain Significance. This variant, c.7712_7714del, results in the deletion of 1 amino acid(s) of the KMT2B protein (p.Lys2571del), but otherwise preserves the integrity of the reading frame. This variant is not present in population databases (gnomAD no frequency).

NM_014727.3(KMT2B):c.7709AGA[1] (p.Lys2571del)

Gene: KMT2B (lysine methyltransferase 2B; plus strand). Cytogenetic location: 19q13.12.
Variant type: Microsatellite.
Coding change: c.7709AGA[1] on transcript NM_014727.3 (MANE Select); one copy of the 3-base unit AGA starting at c.7709; the reference has two copies in a row; one copy, 3 bases deleted.
Protein change: p.Lys2571del; deletes lysine 2571.
Molecular consequence: inframe deletion.
Genome position (GRCh38, 1-based): chr19:35,737,912-35,737,914, AGA deleted; deleting any 3 consecutive bases within chr19:35,737,908-35,737,914 gives the same sequence; the position shown is the placement nearest the transcript's 3' end. VCF-style (leftmost placement, unchanged base first): chr19-35737907-TAAG-T. GRCh37 (hg19) VCF-style: chr19-36228808-TAAG-T.
Other names: short protein forms K2571del.
Identifiers: ClinVar variation 2776341 (VCV002776341.3), dbSNP rs2513369089, ClinGen allele CA2584577308.